The following is an entry in ClinVar:

ClinVar aggregate classification (germline): Uncertain significance (1 of 4 stars; one submission).

Conditions:
Peutz-Jeghers syndrome (PJS). Also called: POLYPOSIS, HAMARTOMATOUS INTESTINAL; POLYPS-AND-SPOTS SYNDROME; Peutz-Jeghers polyposis; Periorificial lentiginosis syndrome. Identifiers: Orphanet 2869, MedGen C0031269, MeSH D010580, MONDO:0008280, OMIM 175200.

Submission:

Labcorp Genetics (formerly Invitae), Labcorp
Classification: Uncertain significance for Peutz-Jeghers syndrome. Last evaluated: 2024-08-12. Review status: criteria provided, single submitter. Criteria: Invitae Variant Classification Sherloc (09022015). Collection method: clinical testing. Allele origin: germline.
Comment: This sequence change replaces phenylalanine, which is neutral and non-polar, with leucine, which is neutral and non-polar, at codon 148 of the STK11 protein (p.Phe148Leu). This variant is not present in population databases (gnomAD no frequency). This variant has not been reported in the literature in individuals affected with STK11-related conditions. Advanced modeling of protein sequence and biophysical properties (such as structural, functional, and spatial information, amino acid conservation, physicochemical variation, residue mobility, and thermodynamic stability) performed at Invitae indicates that this missense variant is not expected to disrupt STK11 protein function with a negative predictive value of 95%. In summary, the available evidence is currently insufficient to determine the role of this variant in disease. Therefore, it has been classified as a Variant of Uncertain Significance.

NM_000455.5(STK11):c.442T>C (p.Phe148Leu)

Gene: STK11 (serine/threonine kinase 11; plus strand). Cytogenetic location: 19p13.3.
Variant type: single nucleotide variant.
Coding change: c.442T>C on transcript NM_000455.5 (MANE Select); coding-DNA position 442, T replaced by C.
Protein change: p.Phe148Leu; replaces phenylalanine 148 with leucine.
Molecular consequence: missense variant. On other transcripts: non-coding transcript variant (1).
Genome position (GRCh38, 1-based): chr19:1,219,391, T>C. VCF-style: chr19-1219391-T-C. GRCh37 (hg19) VCF-style: chr19-1219390-T-C.
Other names: c.442T>C, p.Phe148Leu (NM_001407255.1); short protein forms F148L.
Identifiers: ClinVar variation 3662083 (VCV003662083.2).